The following is an entry in ClinVar:

ClinVar aggregate classification (germline): Uncertain significance (1 of 4 stars; one submission).

Conditions:
Early-infantile DEE. Also called: Early infantile epileptic encephalopathy with suppression bursts; Early infantile epileptic encephalopathy; Ohtahara syndrome. Identifiers: Orphanet 1934, MedGen C0393706, MONDO:0800491.

Submission:

Labcorp Genetics (formerly Invitae), Labcorp
Classification: Uncertain significance for Early-infantile DEE. Last evaluated: 2022-10-03. Review status: criteria provided, single submitter. Criteria: Invitae Variant Classification Sherloc (09022015). Collection method: clinical testing. Allele origin: germline.
Comment: This sequence change falls in intron 18 of the SCN1A gene. It does not directly change the encoded amino acid sequence of the SCN1A protein. In summary, the available evidence is currently insufficient to determine the role of this variant in disease. Therefore, it has been classified as a Variant of Uncertain Significance. Algorithms developed to predict the effect of sequence changes on RNA splicing suggest that this variant may create or strengthen a splice site. ClinVar contains an entry for this variant (Variation ID: 1356391). This variant has not been reported in the literature in individuals affected with SCN1A-related conditions. This variant is not present in population databases (gnomAD no frequency).

NM_001165963.4(SCN1A):c.3706-12T>G

Genes: SCN1A (sodium voltage-gated channel alpha subunit 1; minus strand), LOC102724058 (uncharacterized LOC102724058; plus strand). Cytogenetic location: 2q24.3.
Variant type: single nucleotide variant.
Coding change: c.3706-12T>G on transcript NM_001165963.4 (MANE Select); 12 bases into the intron before coding-DNA position 3706, T replaced by G.
Molecular consequence: intron variant.
Genome position (GRCh38, 1-based): chr2:166,012,294, A>C on the plus strand (T>G on the coding strand, the complement: SCN1A is on the minus strand). VCF-style: chr2-166012294-A-C. GRCh37 (hg19) VCF-style: chr2-166868804-A-C.
Other names: c.3673-12T>G (NM_001353949.2, NM_001353950.2, NM_001353951.2 and 2 more transcripts); c.3622-12T>G (NM_001353958.2, NM_001353957.2, NM_001165964.3); c.3706-12T>G (NM_001202435.3, NM_001353948.2); c.3670-12T>G (NM_001353955.2, NM_001353954.2); c.3619-12T>G (NM_001353960.2); c.1264-12T>G (NM_001353961.2).
Identifiers: ClinVar variation 1356391 (VCV001356391.9), dbSNP rs2105594508, ClinGen allele CA2573133496.